The following is an entry in ClinVar:

NM_001378183.1(PIEZO2):c.5114A>C (p.Asn1705Thr)

Gene: PIEZO2 (piezo type mechanosensitive ion channel component 2; minus strand). Cytogenetic location: 18p11.22.
Variant type: single nucleotide variant.
Coding change: c.5114A>C on transcript NM_001378183.1 (MANE Select); coding-DNA position 5114, A replaced by C.
Protein change: p.Asn1705Thr; replaces asparagine 1705 with threonine.
Molecular consequence: missense variant.
Genome position (GRCh38, 1-based): chr18:10,715,792, T>G on the plus strand (A>C on the coding strand, the complement: PIEZO2 is on the minus strand). VCF-style: chr18-10715792-T-G. GRCh37 (hg19) VCF-style: chr18-10715790-T-G.
Other names: c.5015A>C, p.Asn1672Thr (NM_001410871.1); c.4940A>C, p.Asn1647Thr (NM_022068.4); short protein forms N1647T, N1672T, N1705T.
Identifiers: ClinVar variation 3371093 (VCV003371093.1).

ClinVar aggregate classification (germline): Uncertain significance (1 of 4 stars; one submission).

gnomAD v4.1: 1 of 1,531,386 alleles (0.000065%); highest among the groups gnomAD compares: Admixed American, 0.002%; no homozygotes.

Submission:

GeneDx
Classification: Uncertain significance. Last evaluated: 2024-03-17. Review status: criteria provided, single submitter. Criteria: GeneDx Variant Classification Process June 2021. Collection method: clinical testing. Allele origin: germline. Affected: yes.
Comment: Not observed at significant frequency in large population cohorts (gnomAD); In silico analysis supports that this missense variant has a deleterious effect on protein structure/function; Has not been previously published as pathogenic or benign to our knowledge